The following is an entry in ClinVar:

NM_017986.4(SLC52A1):c.131-5T>A

Gene: SLC52A1 (solute carrier family 52 member 1; minus strand). Cytogenetic location: 17p13.2.
Variant type: single nucleotide variant.
Coding change: c.131-5T>A on transcript NM_017986.4 (MANE Select); 5 bases into the intron before coding-DNA position 131, T replaced by A.
Molecular consequence: intron variant.
Genome position (GRCh38, 1-based): chr17:5,034,363, A>T on the plus strand (T>A on the coding strand, the complement: SLC52A1 is on the minus strand). VCF-style: chr17-5034363-A-T. GRCh37 (hg19) VCF-style: chr17-4937658-A-T.
Other names: c.131-5T>A (NM_001104577.2).
Identifiers: ClinVar variation 4706671 (VCV004706671.1).

ClinVar aggregate classification (germline): Uncertain significance (1 of 4 stars; one submission).

Conditions:
Vitamin B2 deficiency. Identifiers: MedGen C0035528.

gnomAD v4.1: 1 of 1,581,872 alleles (0.000063%); highest among the groups gnomAD compares: Non-Finnish European, 0.000086%; no homozygotes.

Submission:

Labcorp Genetics (formerly Invitae), Labcorp
Classification: Uncertain significance for Vitamin B2 deficiency. Last evaluated: 2025-05-11. Review status: criteria provided, single submitter. Criteria: Invitae Variant Classification Sherloc (09022015). Collection method: clinical testing. Allele origin: germline.
Comment: This sequence change falls in intron 2 of the SLC52A1 gene. It does not directly change the encoded amino acid sequence of the SLC52A1 protein. This variant is not present in population databases (gnomAD no frequency). This variant has not been reported in the literature in individuals affected with SLC52A1-related conditions. Algorithms developed to predict the effect of sequence changes on RNA splicing suggest that this variant may disrupt the consensus splice site. In summary, the available evidence is currently insufficient to determine the role of this variant in disease. Therefore, it has been classified as a Variant of Uncertain Significance.